The following is an entry in ClinVar:

NM_007294.4(BRCA1):c.985_986insC (p.Asn329fs)

Gene: BRCA1 (BRCA1 DNA repair associated; minus strand). Cytogenetic location: 17q21.31.
Variant type: Insertion.
Coding change: c.985_986insC on transcript NM_007294.4 (MANE Select); coding-DNA positions 985 to 986, C inserted.
Protein change: p.Asn329fs; shifts the reading frame from asparagine 329.
Molecular consequence: frameshift variant. On other transcripts: intron variant (137).
Genome position: GRCh38 VCF-style: chr17-43094545-T-TG. GRCh37 (hg19) VCF-style: chr17-41246562-T-TG.
Other names: c.985_986insC, p.Asn329fs (NM_001407593.1, NM_001407594.1, NM_001407596.1 and 30 more transcripts); c.982_983insC, p.Asn328fs (NM_001407610.1, NM_001407611.1, NM_001407627.1 and 22 more transcripts); c.976_977insC, p.Asn326fs (NM_001407646.1, NM_001407647.1); c.862_863insC, p.Asn288fs (NM_001407648.1, NM_001407664.1, NM_001407665.1 and 19 more transcripts); c.775_776insC, p.Asn259fs (NM_001407904.1, NM_001407906.1, NM_001407907.1 and 13 more transcripts); c.772_773insC, p.Asn258fs (NM_001407915.1, NM_001407916.1, NM_001407917.1 and 9 more transcripts); c.577+198_577+199insC (NM_001408513.1, NM_001408489.1, NM_001408479.1 and 9 more transcripts); c.520+198_520+199insC (NM_001408503.1, NM_001408505.1, NM_001408504.1); and 40 more; short protein forms N282fs, N329fs, N161fs, N201fs, N217fs, N240fs, N261fs, N302fs.
Identifiers: ClinVar variation 548220 (VCV000548220.2), dbSNP rs1555592723, ClinGen allele CA658824546.

ClinVar aggregate classification (germline): Pathogenic (3 of 4 stars; one submission).

Conditions:
Breast-ovarian cancer, familial, susceptibility to, 1 (BROVCA1). Also called: BRCA1 Hereditary Breast and Ovarian Cancer; OVARIAN CANCER, SUSCEPTIBILITY TO. Identifiers: Orphanet 145, MedGen C2676676, MONDO:0011450, OMIM 604370. Disease mechanism: loss of function.

Submission:

Evidence-based Network for the Interpretation of Germline Mutant Alleles (ENIGMA)
Classification: Pathogenic for Breast-ovarian cancer, familial, susceptibility to, 1. Last evaluated: 2017-12-15. Review status: reviewed by expert panel. Criteria: ENIGMA BRCA1/2 Classification Criteria (2017-06-29). Collection method: curation. Allele origin: germline. Study: ENIGMA.
Comment: Variant allele predicted to encode a truncated non-functional protein.